The following is an entry in ClinVar:

NM_153247.4(SLC29A4):c.1170C>T (p.Leu390=)

Gene: SLC29A4 (solute carrier family 29 member 4; plus strand). Cytogenetic location: 7p22.1.
Variant type: single nucleotide variant.
Coding change: c.1170C>T on transcript NM_153247.4 (MANE Select); coding-DNA position 1170, C replaced by T.
Protein change: p.Leu390=; no amino-acid change (leucine 390 retained).
Molecular consequence: synonymous variant.
Genome position (GRCh38, 1-based): chr7:5,299,388, C>T. VCF-style: chr7-5299388-C-T. GRCh37 (hg19) VCF-style: chr7-5339019-C-T.
Other names: c.1170C>T, p.Leu390= (NM_001040661.3); c.1128C>T, p.Leu376= (NM_001300847.3).
Identifiers: ClinVar variation 4990660 (VCV004990660.1).

ClinVar aggregate classification (germline): Likely benign (1 of 4 stars; one submission).

Conditions:
SLC29A4-related disorder. Also called: SLC29A4-related condition.

Submission:

PreventionGenetics, part of Exact Sciences
Classification: Likely benign for SLC29A4-related condition. Last evaluated: 2026-08-21. Review status: criteria provided, single submitter. Criteria: ACMG Guidelines, 2015. Collection method: clinical testing. Allele origin: germline.
Comment: This variant is classified as likely benign based on ACMG/AMP sequence variant interpretation guidelines (Richards et al. 2015 PMID: 25741868, with internal and published modifications).